The following is an entry in ClinVar:

NM_006231.4(POLE):c.362C>T (p.Ser121Phe)

Gene: POLE (DNA polymerase epsilon, catalytic subunit; minus strand). Cytogenetic location: 12q24.33.
Variant type: single nucleotide variant.
Coding change: c.362C>T on transcript NM_006231.4 (MANE Select); coding-DNA position 362, C replaced by T.
Protein change: p.Ser121Phe; replaces serine 121 with phenylalanine.
Molecular consequence: missense variant.
Genome position (GRCh38, 1-based): chr12:132,680,015, G>A on the plus strand (C>T on the coding strand, the complement: POLE is on the minus strand). VCF-style: chr12-132680015-G-A. GRCh37 (hg19) VCF-style: chr12-133256601-G-A.
Other names: short protein forms S121F.
Identifiers: ClinVar variation 1953197 (VCV001953197.5), dbSNP rs2136028988, ClinGen allele CA387368169.

ClinVar aggregate classification (germline): Uncertain significance (1 of 4 stars; one submission).

Submission:

Labcorp Genetics (formerly Invitae), Labcorp
Classification: Uncertain significance. Last evaluated: 2022-10-25. Review status: criteria provided, single submitter. Criteria: Invitae Variant Classification Sherloc (09022015). Collection method: clinical testing. Allele origin: germline.
Comment: In summary, the available evidence is currently insufficient to determine the role of this variant in disease. Therefore, it has been classified as a Variant of Uncertain Significance. Advanced modeling of protein sequence and biophysical properties (such as structural, functional, and spatial information, amino acid conservation, physicochemical variation, residue mobility, and thermodynamic stability) performed at Invitae indicates that this missense variant is not expected to disrupt POLE protein function. This variant has not been reported in the literature in individuals affected with POLE-related conditions. This variant is not present in population databases (gnomAD no frequency). This sequence change replaces serine, which is neutral and polar, with phenylalanine, which is neutral and non-polar, at codon 121 of the POLE protein (p.Ser121Phe).